The following is an entry in ClinVar:

NM_181712.5(KANK4):c.2578A>G (p.Thr860Ala)

Gene: KANK4 (KN motif and ankyrin repeat domains 4; minus strand). Cytogenetic location: 1p31.3.
Variant type: single nucleotide variant.
Coding change: c.2578A>G on transcript NM_181712.5 (MANE Select); coding-DNA position 2578, A replaced by G.
Protein change: p.Thr860Ala; replaces threonine 860 with alanine.
Molecular consequence: missense variant.
Genome position (GRCh38, 1-based): chr1:62,253,171, T>C on the plus strand (A>G on the coding strand, the complement: KANK4 is on the minus strand). VCF-style: chr1-62253171-T-C. GRCh37 (hg19) VCF-style: chr1-62718843-T-C.
Other names: c.694A>G, p.Thr232Ala (NM_001320269.2); short protein forms T232A, T860A.
Identifiers: ClinVar variation 3620175 (VCV003620175.2).

ClinVar aggregate classification (germline): Uncertain significance (1 of 4 stars; one submission).

Submission:

Labcorp Genetics (formerly Invitae), Labcorp
Classification: Uncertain significance. Last evaluated: 2024-07-24. Review status: criteria provided, single submitter. Criteria: Invitae Variant Classification Sherloc (09022015). Collection method: clinical testing. Allele origin: germline.
Comment: This sequence change replaces threonine, which is neutral and polar, with alanine, which is neutral and non-polar, at codon 860 of the KANK4 protein (p.Thr860Ala). The frequency data for this variant in the population databases is considered unreliable, as metrics indicate poor data quality at this position in the gnomAD database. This variant has not been reported in the literature in individuals affected with KANK4-related conditions. An algorithm developed to predict the effect of missense changes on protein structure and function (PolyPhen-2) suggests that this variant is likely to be tolerated. In summary, the available evidence is currently insufficient to determine the role of this variant in disease. Therefore, it has been classified as a Variant of Uncertain Significance.